The following is an entry in ClinVar:

NM_000288.4(PEX7):c.189-7A>G

Gene: PEX7 (peroxisomal biogenesis factor 7; plus strand). Cytogenetic location: 6q23.3.
Variant type: single nucleotide variant.
Coding change: c.189-7A>G on transcript NM_000288.4 (MANE Select); 7 bases into the intron before coding-DNA position 189, A replaced by G.
Molecular consequence: intron variant.
Genome position (GRCh38, 1-based): chr6:136,826,312, A>G. VCF-style: chr6-136826312-A-G. GRCh37 (hg19) VCF-style: chr6-137147450-A-G.
Other names: c.189-7A>G (NM_000288.3).
Identifiers: ClinVar variation 1665465 (VCV001665465.10), dbSNP rs2115131688, ClinGen allele CA452375568.

ClinVar aggregate classification (germline): Likely benign. Review status: criteria provided, single submitter (1 of 4 stars). 2 submissions from 2 submitters: Likely benign (1). 1 of the submissions does not count toward it. Last evaluated 2026-01-06.

Conditions:
Peroxisome biogenesis disorder 9B. Also called: PEX7-Related Refsum Disease; Refsum disease, adult, 2; PEROXISOME BIOGENESIS DISORDER, PEX7-RELATED, ATYPICAL. Identifiers: Orphanet 773, MedGen C2749346, MONDO:0013945, OMIM 614879.
PEX7-related disorder. Also called: PEX7-related condition; PEX7-related disorders. Identifiers: MedGen CN239409.

Allele frequency attached by ClinVar (database versions not stated): gnomAD exomes below 0.00001.
gnomAD v4.1: 2 of 1,613,538 alleles (0.00012%); highest among the groups gnomAD compares: Non-Finnish European, 0.00017%; no homozygotes.

Submissions (2):

Labcorp Genetics (formerly Invitae), Labcorp
Classification: Likely benign for Peroxisome biogenesis disorder 9B. Last evaluated: 2026-01-06. Review status: criteria provided, single submitter. Criteria: Invitae Variant Classification Sherloc (09022015). Collection method: clinical testing. Allele origin: germline.

PreventionGenetics, part of Exact Sciences
Classification: Likely benign for PEX7-related condition. Last evaluated: 2023-09-08. Review status: no assertion criteria provided. Collection method: clinical testing. Allele origin: germline. Not counted in ClinVar's aggregate classification.
Comment: This variant is classified as likely benign based on ACMG/AMP sequence variant interpretation guidelines (Richards et al. 2015 PMID: 25741868, with internal and published modifications).